The following is an entry in ClinVar:

NM_005045.4(RELN):c.10082T>A (p.Leu3361Gln)

Genes: RELN (reelin; minus strand), SLC26A5-AS1 (SLC26A5 antisense RNA 1; plus strand). Cytogenetic location: 7q22.1.
Variant type: single nucleotide variant.
Coding change: c.10082T>A on transcript NM_005045.4 (MANE Select); coding-DNA position 10082, T replaced by A.
Protein change: p.Leu3361Gln; replaces leucine 3361 with glutamine.
Molecular consequence: missense variant.
Genome position (GRCh38, 1-based): chr7:103,483,752, A>T on the plus strand (T>A on the coding strand, the complement: RELN is on the minus strand). VCF-style: chr7-103483752-A-T. GRCh37 (hg19) VCF-style: chr7-103124199-A-T.
Other names: c.10082T>A, p.Leu3361Gln (NM_173054.3); short protein forms L3361Q.
Identifiers: ClinVar variation 4086431 (VCV004086431.1).

ClinVar aggregate classification (germline): Uncertain significance (1 of 4 stars; one submission).

Submission:

GeneDx
Classification: Uncertain significance. Last evaluated: 2025-03-22. Review status: criteria provided, single submitter. Criteria: GeneDx Variant Classification Process June 2021. Collection method: clinical testing. Allele origin: germline. Affected: yes.
Comment: Not observed at significant frequency in large population cohorts (gnomAD); In silico analysis supports that this missense variant has a deleterious effect on protein structure/function; Has not been previously published as pathogenic or benign to our knowledge